The following is an entry in ClinVar:

NM_004204.5(PIGQ):c.1071C>G (p.Ser357Arg)

Gene: PIGQ (phosphatidylinositol glycan anchor biosynthesis class Q; plus strand). Cytogenetic location: 16p13.3.
Variant type: single nucleotide variant.
Coding change: c.1071C>G on transcript NM_004204.5 (MANE Select); coding-DNA position 1071, C replaced by G.
Protein change: p.Ser357Arg; replaces serine 357 with arginine.
Molecular consequence: missense variant.
Genome position (GRCh38, 1-based): chr16:578,786, C>G. VCF-style: chr16-578786-C-G. GRCh37 (hg19) VCF-style: chr16-628786-C-G.
Other names: c.1071C>G, p.Ser357Arg (NM_148920.4); short protein forms S357R.
Identifiers: ClinVar variation 2854523 (VCV002854523.3), dbSNP rs2035762337, ClinGen allele CA394056533.

ClinVar aggregate classification (germline): Uncertain significance (1 of 4 stars; one submission).

Conditions:
Epilepsy. Also called: Seizure disorder. Identifiers: MedGen C0014544, MeSH D004827, MONDO:0005027.

Submission:

Labcorp Genetics (formerly Invitae), Labcorp
Classification: Uncertain significance for Epilepsy. Last evaluated: 2023-04-13. Review status: criteria provided, single submitter. Criteria: Invitae Variant Classification Sherloc (09022015). Collection method: clinical testing. Allele origin: germline.
Comment: In summary, the available evidence is currently insufficient to determine the role of this variant in disease. Therefore, it has been classified as a Variant of Uncertain Significance. An algorithm developed to predict the effect of missense changes on protein structure and function (PolyPhen-2) suggests that this variant is likely to be disruptive. This variant has not been reported in the literature in individuals affected with PIGQ-related conditions. This variant is not present in population databases (gnomAD no frequency). This sequence change replaces serine, which is neutral and polar, with arginine, which is basic and polar, at codon 357 of the PIGQ protein (p.Ser357Arg).